The following is an entry in ClinVar:

ClinVar aggregate classification (germline): Likely benign (0 of 4 stars; one submission).

Conditions:
ARFGEF3-related disorder. Also called: ARFGEF3-related condition.

Allele frequency attached by ClinVar (database versions not stated): gnomAD 0.00005; gnomAD exomes 0.00008; ExAC 0.00014; ESP Exome Variant Server 0.00015.
gnomAD v4.1: 123 of 1,607,878 alleles (0.0076%); highest among the groups gnomAD compares: Middle Eastern, 0.41%; no homozygotes.

Submission:

PreventionGenetics, part of Exact Sciences
Classification: Likely benign for ARFGEF3-related condition. Last evaluated: 2019-02-21. Review status: no assertion criteria provided. Collection method: clinical testing. Allele origin: germline.
Comment: This variant is classified as likely benign based on ACMG/AMP sequence variant interpretation guidelines (Richards et al. 2015 PMID: 25741868, with internal and published modifications).

NM_020340.5(ARFGEF3):c.657C>T (p.Ala219=)

Gene: ARFGEF3 (ARFGEF family member 3; plus strand). Cytogenetic location: 6q23.3.
Variant type: single nucleotide variant.
Coding change: c.657C>T on transcript NM_020340.5 (MANE Select); coding-DNA position 657, C replaced by T.
Protein change: p.Ala219=; no amino-acid change (alanine 219 retained).
Molecular consequence: synonymous variant.
Genome position (GRCh38, 1-based): chr6:138,245,583, C>T. VCF-style: chr6-138245583-C-T. GRCh37 (hg19) VCF-style: chr6-138566720-C-T.
Identifiers: ClinVar variation 3035094 (VCV003035094.2), dbSNP rs149810556, ClinGen allele CA4020384.